The following is an entry in ClinVar:

NM_001135649.3(FOXI3):c.770C>T (p.Ser257Phe)

Gene: FOXI3 (forkhead box I3; minus strand). Cytogenetic location: 2p11.2.
Variant type: single nucleotide variant.
Coding change: c.770C>T on transcript NM_001135649.3 (MANE Select); coding-DNA position 770, C replaced by T.
Protein change: p.Ser257Phe; replaces serine 257 with phenylalanine.
Molecular consequence: missense variant.
Genome position (GRCh38, 1-based): chr2:88,448,700, G>A on the plus strand (C>T on the coding strand, the complement: FOXI3 is on the minus strand). VCF-style: chr2-88448700-G-A. GRCh37 (hg19) VCF-style: chr2-88748219-G-A.
Other names: short protein forms S257F.
Identifiers: ClinVar variation 4714907 (VCV004714907.1).

ClinVar aggregate classification (germline): Uncertain significance (1 of 4 stars; one submission).

gnomAD v4.1: 1 of 1,551,830 alleles (0.000064%); highest among the groups gnomAD compares: East Asian, 0.0024%; no homozygotes.

Submission:

Labcorp Genetics (formerly Invitae), Labcorp
Classification: Uncertain significance. Last evaluated: 2025-03-11. Review status: criteria provided, single submitter. Criteria: Invitae Variant Classification Sherloc (09022015). Collection method: clinical testing. Allele origin: germline.
Comment: This sequence change replaces serine, which is neutral and polar, with phenylalanine, which is neutral and non-polar, at codon 257 of the FOXI3 protein (p.Ser257Phe). This variant is not present in population databases (gnomAD no frequency). This variant has not been reported in the literature in individuals affected with FOXI3-related conditions. Experimental studies and prediction algorithms are not available or were not evaluated, and the functional significance of this variant is currently unknown. In summary, the available evidence is currently insufficient to determine the role of this variant in disease. Therefore, it has been classified as a Variant of Uncertain Significance.